The following is an entry in ClinVar:

NM_013254.4(TBK1):c.1000A>G (p.Ile334Val)

Gene: TBK1 (TANK binding kinase 1; plus strand). Cytogenetic location: 12q14.2.
Variant type: single nucleotide variant.
Coding change: c.1000A>G on transcript NM_013254.4 (MANE Select); coding-DNA position 1000, A replaced by G.
Protein change: p.Ile334Val; replaces isoleucine 334 with valine.
Molecular consequence: missense variant.
Genome position (GRCh38, 1-based): chr12:64,484,310, A>G. VCF-style: chr12-64484310-A-G. GRCh37 (hg19) VCF-style: chr12-64878090-A-G.
Other names: c.1000A>G (NM_013254.3); short protein forms I334V.
Identifiers: ClinVar variation 3619004 (VCV003619004.3).
Genomic context (GRCh38, chr12:64,484,310, plus strand): 5'-TGCCTCTCACTTTATCCCCAGTTATAGTGTCCTTTTGAATTTTTCTCACACAGTGCTACT[A>G]TATTTCATGAACTGGTATATAAACAAACCAAAATTATTTCTTCAAATCAAGAACTTATCT-3'
Protein context (NP_037386.1, residues 324-344): IYIHSYNTAT[Ile334Val]FHELVYKQTK

ClinVar aggregate classification (germline): Uncertain significance. Review status: criteria provided, multiple submitters, no conflicts (2 of 4 stars). 2 submissions from 2 submitters: Uncertain significance (2). Last evaluated 2025-09-27.

Conditions:
TBK1-related disorder. Also called: TBK1-related condition.
Frontotemporal dementia and/or amyotrophic lateral sclerosis 4. Also called: FTDALS4. Identifiers: Orphanet 275872, MedGen C4225325, MONDO:0014641, OMIM 616439.

gnomAD v4.1: 95 of 1,608,050 alleles (0.0059%); highest among the groups gnomAD compares: Non-Finnish European, 0.0077%; no homozygotes.

Submissions (2):

Labcorp Genetics (formerly Invitae), Labcorp
Classification: Uncertain significance for Frontotemporal dementia and/or amyotrophic lateral sclerosis 4. Last evaluated: 2025-09-27. Review status: criteria provided, single submitter. Criteria: Invitae Variant Classification Sherloc (09022015). Collection method: clinical testing. Allele origin: germline.
Comment: This sequence change replaces isoleucine, which is neutral and non-polar, with valine, which is neutral and non-polar, at codon 334 of the TBK1 protein (p.Ile334Val). This variant is present in population databases (rs759007508, gnomAD 0.006%). This missense change has been observed in individual(s) with clinical features of semantic dementia (internal data). ClinVar contains an entry for this variant (Variation ID: 3619004). Invitae Evidence Modeling of protein sequence and biophysical properties (such as structural, functional, and spatial information, amino acid conservation, physicochemical variation, residue mobility, and thermodynamic stability) indicates that this missense variant is not expected to disrupt TBK1 protein function with a negative predictive value of 95%. This variant disrupts the p.Ile334 amino acid residue in TBK1. Other variant(s) that disrupt this residue have been observed in individuals with TBK1-related conditions (PMID: 27260353), which suggests that this may be a clinically significant amino acid residue. In summary, the available evidence is currently insufficient to determine the role of this variant in disease. Therefore, it has been classified as a Variant of Uncertain Significance.

PreventionGenetics, part of Exact Sciences
Classification: Uncertain significance for TBK1-related condition. Last evaluated: 2025-08-22. Review status: criteria provided, single submitter. Criteria: ACMG Guidelines, 2015. Collection method: clinical testing. Allele origin: germline.
Comment: The TBK1 c.1000A>G variant is predicted to result in the amino acid substitution p.Ile334Val. To our knowledge, this variant has not been reported in the literature. This variant is reported in 0.0063% of alleles in individuals of European (Non-Finnish) descent in gnomAD. At this time, the clinical significance of this variant is uncertain due to the absence of conclusive functional and genetic evidence.

Literature cited by the submitters: PubMed 27260353 (cited by Labcorp Genetics (formerly Invitae), Labcorp).